The following is an entry in ClinVar:

NM_005591.4(MRE11):c.496C>T (p.Pro166Ser)

Gene: MRE11 (MRE11 double strand break repair nuclease; minus strand). Cytogenetic location: 11q21.
Variant type: single nucleotide variant.
Coding change: c.496C>T on transcript NM_005591.4 (MANE Select); coding-DNA position 496, C replaced by T.
Protein change: p.Pro166Ser; replaces proline 166 with serine.
Molecular consequence: missense variant.
Genome position (GRCh38, 1-based): chr11:94,478,783, G>A on the plus strand (C>T on the coding strand, the complement: MRE11 is on the minus strand). VCF-style: chr11-94478783-G-A. GRCh37 (hg19) VCF-style: chr11-94211949-G-A.
Other names: c.496C>T, p.Pro166Ser (NM_001330347.2, NM_005590.4); short protein forms P166S.
Identifiers: ClinVar variation 2562192 (VCV002562192.2), dbSNP rs587782758, ClinGen allele CA382377413.

ClinVar aggregate classification (germline): Uncertain significance (1 of 4 stars; one submission).

Conditions:
Hereditary cancer-predisposing syndrome. Also called: Neoplastic Syndromes, Hereditary; Hereditary Cancer Syndrome; Hereditary neoplastic syndrome; Tumor predisposition. Identifiers: Orphanet 140162, MedGen C0027672, MeSH D009386, MONDO:0015356.

Submission:

Ambry Genetics
Classification: Uncertain significance for Hereditary cancer-predisposing syndrome. Last evaluated: 2023-04-30. Review status: criteria provided, single submitter. Criteria: Ambry Variant Classification Scheme 2023. Collection method: clinical testing. Allele origin: germline.
Comment: The p.P166S variant (also known as c.496C>T), located in coding exon 5 of the MRE11A gene, results from a C to T substitution at nucleotide position 496. The proline at codon 166 is replaced by serine, an amino acid with similar properties. This amino acid position is conserved. In addition, this alteration is predicted to be deleterious by in silico analysis. Since supporting evidence is limited at this time, the clinical significance of this alteration remains unclear.